The following is an entry in ClinVar:

NM_201384.3(PLEC):c.1915G>A (p.Glu639Lys)

Gene: PLEC (plectin; minus strand). Cytogenetic location: 8q24.3.
Variant type: single nucleotide variant.
Coding change: c.1915G>A on transcript NM_201384.3 (MANE Select); coding-DNA position 1915, G replaced by A.
Protein change: p.Glu639Lys; replaces glutamic acid 639 with lysine.
Molecular consequence: missense variant.
Genome position (GRCh38, 1-based): chr8:143,932,462, C>T on the plus strand (G>A on the coding strand, the complement: PLEC is on the minus strand). VCF-style: chr8-143932462-C-T. GRCh37 (hg19) VCF-style: chr8-145006630-C-T.
Other names: c.1996G>A, p.Glu666Lys (NM_000445.5); c.1873G>A, p.Glu625Lys (NM_201378.4); c.1849G>A, p.Glu617Lys (NM_201379.3); c.2326G>A, p.Glu776Lys (NM_201380.4); c.1819G>A, p.Glu607Lys (NM_201381.3); c.1915G>A, p.Glu639Lys (NM_201382.4); c.1927G>A, p.Glu643Lys (NM_201383.3); short protein forms E666K, E607K, E617K, E776K, E625K, E639K, E643K.
Identifiers: ClinVar variation 1346077 (VCV001346077.6), dbSNP rs1162838758, ClinGen allele CA372578175.

ClinVar aggregate classification (germline): Uncertain significance (1 of 4 stars; one submission).

Conditions:
Epidermolysis bullosa simplex 5B, with muscular dystrophy (EBS5B). Also called: Epidermolysis bullosa simplex with muscular dystrophy; EPIDERMOLYSIS BULLOSA SIMPLEX AND LIMB-GIRDLE MUSCULAR DYSTROPHY. Identifiers: Orphanet 257, MedGen C2931072, MONDO:0009181, OMIM 226670.
Epidermolysis bullosa simplex, Ogna type (EBS5A). Also called: Pidermolysis bullosa simplex 5A, Ogna type; EPIDERMOLYSIS BULLOSA SIMPLEX 5A, OGNA TYPE. Identifiers: Orphanet 79401, MedGen C0432317, MONDO:0007555, OMIM 131950.
Epidermolysis bullosa simplex 5C, with pyloric atresia (EBS5C). Also called: PLEC1-Related Epidermolysis Bullosa with Pyloric Atresia; PLEC-Related Epidermolysis Bullosa with Pyloric Atresia; Epidermolysis bullosa simplex with pyloric atresia. Identifiers: Orphanet 158684, MedGen C2677349, MONDO:0012807, OMIM 612138.
Epidermolysis bullosa simplex with nail dystrophy (EBS5D). Identifiers: MedGen C4225309, MONDO:0014661, OMIM 616487.
Autosomal recessive limb-girdle muscular dystrophy type 2Q (LGMDR17). Also called: MUSCULAR DYSTROPHY, LIMB-GIRDLE, AUTOSOMAL RECESSIVE 17. Identifiers: Orphanet 254361, MedGen C3150989, MONDO:0013390, OMIM 613723.

Allele frequency attached by ClinVar (database versions not stated): gnomAD exomes below 0.00001; gnomAD 0.00001; TOPMed 0.00001.
gnomAD v4.1: 2 of 1,612,710 alleles (0.00012%); highest among the groups gnomAD compares: Non-Finnish European, 0.00017%; no homozygotes.

Submission:

Labcorp Genetics (formerly Invitae), Labcorp
Classification: Uncertain significance for Autosomal recessive limb-girdle muscular dystrophy type 2Q; Epidermolysis bullosa simplex, Ogna type; Epidermolysis bullosa simplex with nail dystrophy; Epidermolysis bullosa simplex 5C, with pyloric atresia; Epidermolysis bullosa simplex 5B, with muscular dystrophy. Last evaluated: 2022-10-17. Review status: criteria provided, single submitter. Criteria: Invitae Variant Classification Sherloc (09022015). Collection method: clinical testing. Allele origin: germline.
Comment: This variant is not present in population databases (gnomAD no frequency). This sequence change replaces glutamic acid, which is acidic and polar, with lysine, which is basic and polar, at codon 666 of the PLEC protein (p.Glu666Lys). This variant has not been reported in the literature in individuals affected with PLEC-related conditions. In summary, the available evidence is currently insufficient to determine the role of this variant in disease. Therefore, it has been classified as a Variant of Uncertain Significance. Advanced modeling of protein sequence and biophysical properties (such as structural, functional, and spatial information, amino acid conservation, physicochemical variation, residue mobility, and thermodynamic stability) has been performed at Invitae for this missense variant, however the output from this modeling did not meet the statistical confidence thresholds required to predict the impact of this variant on PLEC protein function. ClinVar contains an entry for this variant (Variation ID: 1346077).